The following is an entry in ClinVar:

NM_006059.4(LAMC3):c.1939+1G>A

Gene: LAMC3 (laminin subunit gamma 3; plus strand). Cytogenetic location: 9q34.12.
Variant type: single nucleotide variant.
Coding change: c.1939+1G>A on transcript NM_006059.4 (MANE Select); the canonical splice donor site of the intron after coding-DNA position 1939, G replaced by A.
Molecular consequence: splice donor variant.
Genome position (GRCh38, 1-based): chr9:131,052,966, G>A. VCF-style: chr9-131052966-G-A. GRCh37 (hg19) VCF-style: chr9-133928353-G-A.
Identifiers: ClinVar variation 3776179 (VCV003776179.1).

ClinVar aggregate classification (germline): Pathogenic (1 of 4 stars; one submission).

Conditions:
Occipital pachygyria and polymicrogyria. Identifiers: Orphanet 280640, MedGen C3279875, MONDO:0013583, OMIM 614115.

Submission:

3billion
Classification: Pathogenic for Occipital pachygyria and polymicrogyria. Last evaluated: 2023-08-07. Review status: criteria provided, single submitter. Criteria: ACMG Guidelines, 2015. Collection method: clinical testing. Allele origin: germline. Affected: yes.
Comment: The variant is not observed in the gnomAD v2.1.1 dataset. Predicted Consequence/Location: Canonical splice site: predicted to alter splicing and result in a loss or disruption of normal protein function. Multiple pathogenic loss-of-function variants are reported downstream of the variant. Therefore, this variant is classified as Pathogenic according to the recommendation of ACMG/AMP guideline.